The following is an entry in ClinVar:

NM_032447.5(FBN3):c.3481G>A (p.Val1161Ile)

Gene: FBN3 (fibrillin 3; minus strand). Cytogenetic location: 19p13.2.
Variant type: single nucleotide variant.
Coding change: c.3481G>A on transcript NM_032447.5 (MANE Select); coding-DNA position 3481, G replaced by A.
Protein change: p.Val1161Ile; replaces valine 1161 with isoleucine.
Molecular consequence: missense variant.
Genome position (GRCh38, 1-based): chr19:8,117,274, C>T on the plus strand (G>A on the coding strand, the complement: FBN3 is on the minus strand). VCF-style: chr19-8117274-C-T. GRCh37 (hg19) VCF-style: chr19-8182158-C-T.
Other names: c.3481G>A, p.Val1161Ile (NM_001321431.2); c.3481G>A (NM_001321431.1); short protein forms V1161I.
Identifiers: ClinVar variation 731646 (VCV000731646.13), dbSNP rs111678795, ClinGen allele CA9152432.

ClinVar aggregate classification (germline): Benign. Review status: criteria provided, multiple submitters, no conflicts (2 of 4 stars). 3 submissions from 3 submitters: Benign (2). 1 of the submissions does not count toward it. Last evaluated 2026-02-01.

Conditions:
FBN3-related disorder. Also called: FBN3-related condition.

Allele frequency attached by ClinVar (database versions not stated): ESP Exome Variant Server 0.00623; 1000 Genomes Project 30x 0.00656; 1000 Genomes Project 0.00679; gnomAD exomes 0.00123; ExAC 0.00164; gnomAD 0.00492 and 0.00516; TOPMed 0.00536.
gnomAD v4.1: 1,494 of 1,613,856 alleles (0.093%); highest among the groups gnomAD compares: African/African-American, 1.8%; 5 homozygotes.

Submissions (3):

Labcorp Genetics (formerly Invitae), Labcorp
Classification: Benign. Last evaluated: 2026-02-01. Review status: criteria provided, single submitter. Criteria: Invitae Variant Classification Sherloc (09022015). Collection method: clinical testing. Allele origin: germline.

Breakthrough Genomics
Classification: Benign. Review status: criteria provided, single submitter. Criteria: ACMG Guidelines, 2015. Collection method: not provided. Allele origin: germline. Inheritance: Unknown mechanism. Affected: yes.

PreventionGenetics, part of Exact Sciences
Classification: Benign for FBN3-related condition. Last evaluated: 2019-04-04. Review status: no assertion criteria provided. Collection method: clinical testing. Allele origin: germline. Not counted in ClinVar's aggregate classification.
Comment: This variant is classified as benign based on ACMG/AMP sequence variant interpretation guidelines (Richards et al. 2015 PMID: 25741868, with internal and published modifications).